The following is an entry in ClinVar:

ClinVar aggregate classification (germline): Benign (1 of 4 stars; one submission).

Conditions:
Peutz-Jeghers syndrome (PJS). Also called: POLYPOSIS, HAMARTOMATOUS INTESTINAL; POLYPS-AND-SPOTS SYNDROME; Peutz-Jeghers polyposis; Periorificial lentiginosis syndrome. Identifiers: Orphanet 2869, MedGen C0031269, MeSH D010580, MONDO:0008280, OMIM 175200.

Submission:

Myriad Genetics, Inc.
Classification: Benign for Peutz-Jeghers syndrome. Last evaluated: 2025-03-26. Review status: criteria provided, single submitter. Criteria: Myriad Autosomal Dominant, Autosomal Recessive and X-Linked Classification Criteria (2023). Collection method: clinical testing. Allele origin: unknown.
Comment: This variant is considered benign. This variant is a silent/synonymous amino acid change and it is not expected to impact splicing.

NM_000455.5(STK11):c.499C>T (p.Leu167=)

Gene: STK11 (serine/threonine kinase 11; plus strand). Cytogenetic location: 19p13.3.
Variant type: single nucleotide variant.
Coding change: c.499C>T on transcript NM_000455.5 (MANE Select); coding-DNA position 499, C replaced by T.
Protein change: p.Leu167=; no amino-acid change (leucine 167 retained).
Molecular consequence: synonymous variant. On other transcripts: non-coding transcript variant (1).
Genome position (GRCh38, 1-based): chr19:1,220,407, C>T. VCF-style: chr19-1220407-C-T. GRCh37 (hg19) VCF-style: chr19-1220406-C-T.
Other names: c.499C>T, p.Leu167= (NM_001407255.1).
Identifiers: ClinVar variation 3904325 (VCV003904325.1).